The following is an entry in ClinVar:

NM_000264.5(PTCH1):c.3206G>A (p.Gly1069Asp)

Gene: PTCH1 (patched 1; minus strand). Cytogenetic location: 9q22.32.
Variant type: single nucleotide variant.
Coding change: c.3206G>A on transcript NM_000264.5 (MANE Select); coding-DNA position 3206, G replaced by A.
Protein change: p.Gly1069Asp; replaces glycine 1069 with aspartic acid.
Molecular consequence: missense variant. On other transcripts: non-coding transcript variant (1).
Genome position (GRCh38, 1-based): chr9:95,456,376, C>T on the plus strand (G>A on the coding strand, the complement: PTCH1 is on the minus strand). VCF-style: chr9-95456376-C-T. GRCh37 (hg19) VCF-style: chr9-98218658-C-T.
Other names: c.3008G>A, p.Gly1003Asp (NM_001083602.3); c.3203G>A, p.Gly1068Asp (NM_001083603.3); c.2753G>A, p.Gly918Asp (NM_001083604.3, NM_001083605.3, NM_001083606.3 and 1 more transcripts); c.3050G>A, p.Gly1017Asp (NM_001354918.2); short protein forms G1003D, G1017D, G1068D, G1069D, G918D.
Identifiers: ClinVar variation 4862660 (VCV004862660.1).

ClinVar aggregate classification (germline): Likely pathogenic (1 of 4 stars; one submission).

Conditions:
Hereditary cancer-predisposing syndrome. Also called: Neoplastic Syndromes, Hereditary; Tumor predisposition; Hereditary Cancer Syndrome; Hereditary neoplastic syndrome. Identifiers: Orphanet 140162, MedGen C0027672, MeSH D009386, MONDO:0015356.

Submission:

Ambry Genetics
Classification: Likely pathogenic for Hereditary cancer-predisposing syndrome. Last evaluated: 2026-04-14. Review status: criteria provided, single submitter. Criteria: Ambry Variant Classification Scheme 2023. Collection method: clinical testing. Allele origin: germline.
Comment: The p.G1069D variant (also known as c.3206G>A), located in coding exon 19 of the PTCH1 gene, results from a G to A substitution at nucleotide position 3206. The glycine at codon 1069 is replaced by aspartic acid, an amino acid with similar properties. This variant was reported as heterozygous in individual(s) with features consistent with PTCH1-related nevoid basal cell carcinoma syndrome (Smucker PS et al. J Neurosurg, 2006 Oct;105:315-20). This amino acid position is highly conserved in available vertebrate species. In addition, this alteration is predicted to be deleterious by in silico analysis. This variant is considered to be rare based on population cohorts in the Genome Aggregation Database (gnomAD). Based on the majority of available evidence to date, this variant is likely to be pathogenic.

Literature cited by the submitters: PubMed 17328283.